The following is an entry in ClinVar:

NM_198576.4(AGRN):c.1724C>G (p.Pro575Arg)

Gene: AGRN (agrin; plus strand). Cytogenetic location: 1p36.33.
Variant type: single nucleotide variant.
Coding change: c.1724C>G on transcript NM_198576.4 (MANE Select); coding-DNA position 1724, C replaced by G.
Protein change: p.Pro575Arg; replaces proline 575 with arginine.
Molecular consequence: missense variant.
Genome position (GRCh38, 1-based): chr1:1,043,658, C>G. VCF-style: chr1-1043658-C-G. GRCh37 (hg19) VCF-style: chr1-979038-C-G.
Other names: c.1724C>G, p.Pro575Arg (NM_001305275.2); c.1409C>G, p.Pro470Arg (NM_001364727.2); short protein forms P575R, P470R.
Identifiers: ClinVar variation 945685 (VCV000945685.9), dbSNP rs1645009481, ClinGen allele CA337833620.

ClinVar aggregate classification (germline): Uncertain significance (1 of 4 stars; one submission).

Conditions:
Congenital myasthenic syndrome 8. Also called: Myasthenic syndrome, congenital, 8, with pre- and postsynaptic defects; MYASTHENIC SYNDROME, CONGENITAL, DUE TO AGRIN DEFICIENCY. Identifiers: Orphanet 590, MedGen C3808739, MONDO:0014052, OMIM 615120.

Allele frequency attached by ClinVar (database versions not stated): gnomAD exomes below 0.00001; gnomAD 0.00001; TOPMed 0.00001.
gnomAD v4.1: 3 of 1,601,076 alleles (0.00019%); highest among the groups gnomAD compares: Non-Finnish European, 0.00025%; no homozygotes.

Submission:

Labcorp Genetics (formerly Invitae), Labcorp
Classification: Uncertain significance for Congenital myasthenic syndrome 8. Last evaluated: 2022-07-11. Review status: criteria provided, single submitter. Criteria: Invitae Variant Classification Sherloc (09022015). Collection method: clinical testing. Allele origin: germline.
Comment: In summary, the available evidence is currently insufficient to determine the role of this variant in disease. Therefore, it has been classified as a Variant of Uncertain Significance. This sequence change replaces proline, which is neutral and non-polar, with arginine, which is basic and polar, at codon 575 of the AGRN protein (p.Pro575Arg). This variant is not present in population databases (gnomAD no frequency). This variant has not been reported in the literature in individuals affected with AGRN-related conditions. ClinVar contains an entry for this variant (Variation ID: 945685). Algorithms developed to predict the effect of missense changes on protein structure and function are either unavailable or do not agree on the potential impact of this missense change (SIFT: "Tolerated"; PolyPhen-2: "Probably Damaging"; Align-GVGD: "Class C0").